The following is an entry in ClinVar:

NM_019066.5(MAGEL2):c.444_503dup (p.Met169_Ala170insSerHisProProProProGlyThrProMetAlaHisProProProProGlyThrProMet)

Gene: MAGEL2 (MAGE family member L2; minus strand). Cytogenetic location: 15q11.2.
Variant type: Duplication.
Coding change: c.444_503dup on transcript NM_019066.5 (MANE Select); coding-DNA positions 444 to 503, 60 bases duplicated.
Protein change: p.Met169_Ala170insSerHisProProProProGlyThrProMetAlaHisProProProProGlyThrProMet.
Molecular consequence: inframe insertion.
Genome position (GRCh38, 1-based): chr15:23,647,240-23,647,299, 60 bases duplicated. GRCh37 (hg19): chr15:23,892,416-23,892,475.
Identifiers: ClinVar variation 4699868 (VCV004699868.1).

ClinVar aggregate classification (germline): Uncertain significance (1 of 4 stars; one submission).

Submission:

Labcorp Genetics (formerly Invitae), Labcorp
Classification: Uncertain significance. Last evaluated: 2025-08-17. Review status: criteria provided, single submitter. Criteria: Invitae Variant Classification Sherloc (09022015). Collection method: clinical testing. Allele origin: germline.
Comment: This variant, c.444_503dup, results in the insertion of 20 amino acid(s) of the MAGEL2 protein (p.Ser150_Met169dup), but otherwise preserves the integrity of the reading frame. This variant is not present in population databases (gnomAD no frequency). This variant has not been reported in the literature in individuals affected with MAGEL2-related conditions. In summary, the available evidence is currently insufficient to determine the role of this variant in disease. Therefore, it has been classified as a Variant of Uncertain Significance.